The following is an entry in ClinVar:

NM_001267550.2(TTN):c.50896_50897del (p.Val16966fs)

Genes: TTN (titin; minus strand), TTN-AS1 (TTN antisense RNA 1; plus strand). Cytogenetic location: 2q31.2.
Variant type: Deletion.
Coding change: c.50896_50897del on transcript NM_001267550.2 (MANE Select); coding-DNA positions 50896 to 50897, 2 bases deleted (GT; older notation c.50896_50897delGT).
Protein change: p.Val16966fs; shifts the reading frame from valine 16966.
Molecular consequence: frameshift variant.
Genome position (GRCh38, 1-based): chr2:178,611,232-178,611,233, AC deleted on the plus strand (GT on the coding strand, the reverse complement: TTN is on the minus strand); deleting any 2 consecutive bases within chr2:178,611,232-178,611,234 gives the same sequence; the c. name uses the placement nearest the transcript's 3' end. VCF-style (leftmost placement, unchanged base first): chr2-178611231-AAC-A. GRCh37 (hg19) VCF-style: chr2-179475958-AAC-A.
Other names: c.45973_45974del, p.Val15325fs (NM_001256850.1); c.23701_23702del, p.Val7901fs (NM_003319.4); c.43192_43193del, p.Val14398fs (NM_133378.4); c.24076_24077del, p.Val8026fs (NM_133432.3); c.24277_24278del, p.Val8093fs (NM_133437.4); short protein forms V14398fs, V15325fs, V16966fs, V7901fs, V8026fs, V8093fs.
Identifiers: ClinVar variation 3752519 (VCV003752519.2).
Genomic context (GRCh38, chr2:178,611,231, plus strand): 5'-AACAGTTGGAACTGGGACAGCTCTGAAGGGAACAGGAATGCTTAACTTTTCACCTTCAAT[AAC>A]AATAATGTCATGAGTCTCCAGGTCAATTGTTGGCTTGCCTGTAAGATATCATTCAAAAGA-3'

ClinVar aggregate classification (germline): Likely pathogenic (1 of 4 stars; one submission).

Conditions:
Autosomal recessive limb-girdle muscular dystrophy type 2J (LGMDR10). Also called: Limb-girdle muscular dystrophy, type 2J; MUSCULAR DYSTROPHY, LIMB-GIRDLE, AUTOSOMAL RECESSIVE 10. Identifiers: Orphanet 140922, MedGen C1837342, MONDO:0012127, OMIM 608807.
Dilated cardiomyopathy 1G (CMD1G). Identifiers: Orphanet 154, MedGen C1858763, MONDO:0011400, OMIM 604145.

Submission:

Labcorp Genetics (formerly Invitae), Labcorp
Classification: Likely pathogenic for Dilated cardiomyopathy 1G; Autosomal recessive limb-girdle muscular dystrophy type 2J. Last evaluated: 2025-03-03. Review status: criteria provided, single submitter. Criteria: Invitae Variant Classification Sherloc (09022015). Collection method: clinical testing. Allele origin: germline.
Comment: This sequence change creates a premature translational stop signal (p.Val16966Tyrfs*2) in the TTN gene. While this is not anticipated to result in nonsense mediated decay, it is expected to disrupt the last 19026 amino acid(s) of the TTN protein. This variant is not present in population databases (gnomAD no frequency). This variant has not been reported in the literature in individuals affected with TTN-related conditions. This variant is located in the A band of TTN (PMID: 25589632). Truncating variants in this region are significantly overrepresented in patients affected with dilated cardiomyopathy (PMID: 25589632). Truncating variants in this region have also been reported in individuals affected with autosomal recessive centronuclear myopathy (PMID: 23975875). In summary, the currently available evidence indicates that the variant is pathogenic, but additional data are needed to prove that conclusively. Therefore, this variant has been classified as Likely Pathogenic.

Literature cited by the submitters: PubMed 25589632; PubMed 23975875.